The following is an entry in ClinVar:

ClinVar aggregate classification (germline): Likely benign (1 of 4 stars; one submission).

Allele frequency attached by ClinVar (database versions not stated): gnomAD 0.00001; TOPMed 0.00001.
gnomAD v4.1: 2 of 1,613,648 alleles (0.00012%); highest among the groups gnomAD compares: African/African-American, 0.0027%; no homozygotes.

Submission:

Laboratory for Molecular Medicine, Mass General Brigham Personalized Medicine
Classification: Likely benign. Last evaluated: 2016-04-08. Review status: criteria provided, single submitter. Criteria: LMM Criteria. Collection method: clinical testing. Allele origin: germline. Observed: 1 variant allele.
Comment: p.Val1635Ala in exon 26 of STRC: This variant is not expected to have clinical s ignificance due to a lack of conservation across species, including mammals. Of note 4 mammals (rat, opossum, tasmanian devil, and wallaby) have an alanine (Ala ) at this position despite high nearby amino acid conservation. In addition, com putational prediction tools do not suggest a high likelihood of impact to the pr otein.

NM_153700.2(STRC):c.4904T>C (p.Val1635Ala)

Gene: STRC (stereocilin; minus strand). Cytogenetic location: 15q15.3.
Variant type: single nucleotide variant.
Coding change: c.4904T>C on transcript NM_153700.2 (MANE Select); coding-DNA position 4904, T replaced by C.
Protein change: p.Val1635Ala; replaces valine 1635 with alanine.
Molecular consequence: missense variant.
Genome position (GRCh38, 1-based): chr15:43,600,623, A>G on the plus strand (T>C on the coding strand, the complement: STRC is on the minus strand). VCF-style: chr15-43600623-A-G. GRCh37 (hg19) VCF-style: chr15-43892821-A-G.
Other names: short protein forms V1635A.
Identifiers: ClinVar variation 504929 (VCV000504929.5), dbSNP rs1370498166, ClinGen allele CA392160626.
Genomic context (GRCh38, chr15:43,600,623, plus strand): 5'-TCAGGCCCCCAGTTACTGATTGGGCCAAACCCACCAGGCAGTACAAGTAGGTGGGCCAGA[A>G]CCTCCAGTTGTTCCTCAGAGCACTGGAGATGCAGGGTGCCGAGGAAGAGAGCTGCTTGGC-3'
Protein context (NP_714544.1, residues 1625-1645): HLQCSEEQLE[Val1635Ala]LAHLLVLPGG